The following is an entry in ClinVar:

NM_001039591.3(USP9X):c.1093G>A (p.Val365Ile)

Gene: USP9X (ubiquitin specific peptidase 9 X-linked; plus strand). Cytogenetic location: Xp11.4.
Variant type: single nucleotide variant.
Coding change: c.1093G>A on transcript NM_001039591.3 (MANE Select); coding-DNA position 1093, G replaced by A.
Protein change: p.Val365Ile; replaces valine 365 with isoleucine.
Molecular consequence: missense variant.
Genome position (GRCh38, 1-based): chrX:41,141,363, G>A. VCF-style: chrX-41141363-G-A. GRCh37 (hg19) VCF-style: chrX-41000616-G-A.
Other names: c.1093G>A, p.Val365Ile (NM_001039590.3, NM_001410748.1, NM_001410749.1 and 1 more transcripts); short protein forms V365I.
Identifiers: ClinVar variation 4811749 (VCV004811749.1).

ClinVar aggregate classification (germline): Uncertain significance (1 of 4 stars; one submission).

Submission:

Labcorp Genetics (formerly Invitae), Labcorp
Classification: Uncertain significance. Last evaluated: 2025-01-25. Review status: criteria provided, single submitter. Criteria: Invitae Variant Classification Sherloc (09022015). Collection method: clinical testing. Allele origin: germline.
Comment: This sequence change replaces valine, which is neutral and non-polar, with isoleucine, which is neutral and non-polar, at codon 365 of the USP9X protein (p.Val365Ile). This variant is not present in population databases (gnomAD no frequency). This variant has not been reported in the literature in individuals affected with USP9X-related conditions. An algorithm developed to predict the effect of missense changes on protein structure and function (PolyPhen-2) suggests that this variant is likely to be disruptive. In summary, the available evidence is currently insufficient to determine the role of this variant in disease. Therefore, it has been classified as a Variant of Uncertain Significance.